The following is an entry in ClinVar:

ClinVar aggregate classification (germline): Uncertain significance (1 of 4 stars; one submission).

Allele frequency attached by ClinVar (database versions not stated): TOPMed 0.00004; gnomAD 0.00005.
gnomAD v4.1: 37 of 1,611,726 alleles (0.0023%); highest among the groups gnomAD compares: Non-Finnish European, 0.0031%; no homozygotes.

Submission:

Labcorp Genetics (formerly Invitae), Labcorp
Classification: Uncertain significance. Last evaluated: 2022-06-17. Review status: criteria provided, single submitter. Criteria: Invitae Variant Classification Sherloc (09022015). Collection method: clinical testing. Allele origin: germline.
Comment: This variant is present in population databases (rs762462951, gnomAD 0.005%). In summary, the available evidence is currently insufficient to determine the role of this variant in disease. Therefore, it has been classified as a Variant of Uncertain Significance. Algorithms developed to predict the effect of missense changes on protein structure and function are either unavailable or do not agree on the potential impact of this missense change (SIFT: "Deleterious"; PolyPhen-2: "Possibly Damaging"; Align-GVGD: "Class C0"). This missense change has been observed in individual(s) with autosomal dominant focal segmental glomerulosclerosis (PMID: 26248470). This sequence change replaces aspartic acid, which is acidic and polar, with tyrosine, which is neutral and polar, at codon 538 of the CD2AP protein (p.Asp538Tyr).

Literature cited by the submitters: PubMed 26248470.

NM_012120.3(CD2AP):c.1612G>T (p.Asp538Tyr)

Gene: CD2AP (CD2 associated protein; plus strand). Cytogenetic location: 6p12.3.
Variant type: single nucleotide variant.
Coding change: c.1612G>T on transcript NM_012120.3 (MANE Select); coding-DNA position 1612, G replaced by T.
Protein change: p.Asp538Tyr; replaces aspartic acid 538 with tyrosine.
Molecular consequence: missense variant.
Genome position (GRCh38, 1-based): chr6:47,608,008, G>T. VCF-style: chr6-47608008-G-T. GRCh37 (hg19) VCF-style: chr6-47575744-G-T.
Other names: short protein forms D538Y.
Identifiers: ClinVar variation 2136401 (VCV002136401.4), dbSNP rs762462951, ClinGen allele CA3844389.